The following is an entry in ClinVar:

ClinVar aggregate classification (germline): Uncertain significance (1 of 4 stars; one submission).

Submission:

Ambry Genetics
Classification: Uncertain significance. Last evaluated: 2025-03-11. Review status: criteria provided, single submitter. Criteria: Ambry Variant Classification Scheme 2023. Collection method: clinical testing. Allele origin: germline.
Comment: The p.S20F variant (also known as c.59C>T), located in coding exon 1 of the GFI1 gene, results from a C to T substitution at nucleotide position 59. The serine at codon 20 is replaced by phenylalanine, an amino acid with highly dissimilar properties. This amino acid position is conserved. In addition, this alteration is predicted to be tolerated by in silico analysis. Based on the available evidence, the clinical significance of this variant remains unclear.

NM_005263.5(GFI1):c.59C>T (p.Ser20Phe)

Gene: GFI1 (growth factor independent 1 transcriptional repressor; minus strand). Cytogenetic location: 1p22.1.
Variant type: single nucleotide variant.
Coding change: c.59C>T on transcript NM_005263.5 (MANE Select); coding-DNA position 59, C replaced by T.
Protein change: p.Ser20Phe; replaces serine 20 with phenylalanine.
Molecular consequence: missense variant.
Genome position (GRCh38, 1-based): chr1:92,483,429, G>A on the plus strand (C>T on the coding strand, the complement: GFI1 is on the minus strand). VCF-style: chr1-92483429-G-A. GRCh37 (hg19) VCF-style: chr1-92948986-G-A.
Other names: c.59C>T, p.Ser20Phe (NM_001127215.3, NM_001127216.3); short protein forms S20F.
Identifiers: ClinVar variation 3853747 (VCV003853747.1).